The following is an entry in ClinVar:

ClinVar aggregate classification (germline): Uncertain significance. Review status: criteria provided, multiple submitters, no conflicts (2 of 4 stars). 2 submissions from 2 submitters: Uncertain significance (2). Last evaluated 2026-06-30.

Conditions:
Peroxisome biogenesis disorder. Identifiers: Orphanet 79189, MedGen C1832200, MONDO:0019234. Disease mechanism: loss of function.
PEX6-related disorder. Also called: PEX6-related condition; PEX6-related disorders.

gnomAD v4.1: 2 of 1,614,176 alleles (0.00012%); highest among the groups gnomAD compares: Non-Finnish European, 0.000085%; no homozygotes.

Submissions (2):

PreventionGenetics, part of Exact Sciences
Classification: Uncertain significance for PEX6-related condition. Last evaluated: 2026-06-30. Review status: criteria provided, single submitter. Criteria: ACMG Guidelines, 2015. Collection method: clinical testing. Allele origin: germline.
Comment: The PEX6 c.856C>G variant is predicted to result in the amino acid substitution p.Leu286Val. To our knowledge, this variant has not been reported in the literature or in a large population database (gnomAD), indicating this variant is rare. At this time, the clinical significance of this variant is uncertain due to the absence of conclusive functional and genetic evidence.

Labcorp Genetics (formerly Invitae), Labcorp
Classification: Uncertain significance for Peroxisome biogenesis disorder. Last evaluated: 2022-08-10. Review status: criteria provided, single submitter. Criteria: Invitae Variant Classification Sherloc (09022015). Collection method: clinical testing. Allele origin: germline.
Comment: This sequence change replaces leucine, which is neutral and non-polar, with valine, which is neutral and non-polar, at codon 286 of the PEX6 protein (p.Leu286Val). This variant is not present in population databases (gnomAD no frequency). This variant has not been reported in the literature in individuals affected with PEX6-related conditions. ClinVar contains an entry for this variant (Variation ID: 1370106). Algorithms developed to predict the effect of missense changes on protein structure and function (SIFT, PolyPhen-2, Align-GVGD) all suggest that this variant is likely to be tolerated. In summary, the available evidence is currently insufficient to determine the role of this variant in disease. Therefore, it has been classified as a Variant of Uncertain Significance.

NM_000287.4(PEX6):c.856C>G (p.Leu286Val)

Gene: PEX6 (peroxisomal biogenesis factor 6; minus strand). Cytogenetic location: 6p21.1.
Variant type: single nucleotide variant.
Coding change: c.856C>G on transcript NM_000287.4 (MANE Select); coding-DNA position 856, C replaced by G.
Protein change: p.Leu286Val; replaces leucine 286 with valine.
Molecular consequence: missense variant. On other transcripts: non-coding transcript variant (1), intron variant (1).
Genome position (GRCh38, 1-based): chr6:42,978,295, G>C on the plus strand (C>G on the coding strand, the complement: PEX6 is on the minus strand). VCF-style: chr6-42978295-G-C. GRCh37 (hg19) VCF-style: chr6-42946033-G-C.
Other names: c.618+238C>G (NM_001316313.2); c.856C>G (NM_000287.3); short protein forms L286V.
Identifiers: ClinVar variation 1370106 (VCV001370106.9), dbSNP rs2150239282, ClinGen allele CA364161452.
Genomic context (GRCh38, chr6:42,978,295, plus strand): 5'-AGGAAGCACTCCTGACCCCAGTCCTTTATCCTACCTGAATTCTGAGCTCTCCCATTTCCA[G>C]GGGGTCACAGCCAAGATTAAAAGCCAAAGTGGCAGGGACAAGCGCCAGTCCGTCAGCGAG-3'
Protein context (NP_000278.3, residues 276-296): TLAFNLGCDP[Leu286Val]EMGELRIQRY